The following is an entry in ClinVar:

NM_018319.4(TDP1):c.237C>T (p.Ser79=)

Genes: TDP1 (tyrosyl-DNA phosphodiesterase 1; plus strand), LOC126862019 (CDK7 strongly-dependent group 2 enhancer GRCh37_chr14:90429220-90430419; plus strand). Cytogenetic location: 14q32.11.
Variant type: single nucleotide variant.
Coding change: c.237C>T on transcript NM_018319.4 (MANE Select); coding-DNA position 237, C replaced by T.
Protein change: p.Ser79=; no amino-acid change (serine 79 retained).
Molecular consequence: synonymous variant.
Genome position (GRCh38, 1-based): chr14:89,963,351, C>T. VCF-style: chr14-89963351-C-T. GRCh37 (hg19) VCF-style: chr14-90429695-C-T.
Other names: c.237C>T, p.Ser79= (NM_001008744.2, NM_001330205.2).
Identifiers: ClinVar variation 726721 (VCV000726721.5), dbSNP rs143839052, ClinGen allele CA7303539.

ClinVar aggregate classification (germline): Likely benign. Review status: criteria provided, multiple submitters, no conflicts (2 of 4 stars). 3 submissions from 3 submitters: Likely benign (3). Last evaluated 2026-04-26.

Conditions:
TDP1-related disorder. Also called: TDP1-related condition.

Allele frequency attached by ClinVar (database versions not stated): gnomAD 0.00004 and 0.00005; gnomAD exomes 0.00010; TOPMed 0.00010; ExAC 0.00013; ESP Exome Variant Server 0.00015; 1000 Genomes Project 30x 0.00016; 1000 Genomes Project 0.00020.
gnomAD v4.1: 153 of 1,614,166 alleles (0.0095%); highest among the groups gnomAD compares: Middle Eastern, 0.049%; 2 homozygotes.

Submissions (3):

PreventionGenetics, part of Exact Sciences
Classification: Likely benign for TDP1-related condition. Last evaluated: 2026-04-26. Review status: criteria provided, single submitter. Criteria: ACMG Guidelines, 2015. Collection method: clinical testing. Allele origin: germline.
Comment: This variant is classified as likely benign based on ACMG/AMP sequence variant interpretation guidelines (Richards et al. 2015 PMID: 25741868, with internal and published modifications).

Labcorp Genetics (formerly Invitae), Labcorp
Classification: Likely benign. Last evaluated: 2018-02-09. Review status: criteria provided, single submitter. Criteria: Invitae Variant Classification Sherloc (09022015). Collection method: clinical testing. Allele origin: germline.

Breakthrough Genomics
Classification: Likely benign. Review status: criteria provided, single submitter. Criteria: ACMG Guidelines, 2015. Collection method: not provided. Allele origin: germline. Inheritance: Autosomal recessive inheritance. Affected: yes.